The following is an entry in ClinVar:

ClinVar aggregate classification (germline): Uncertain significance (1 of 4 stars; one submission).

Conditions:
Tumor predisposition syndrome 3 (TPDS3). Also called: Melanoma, cutaneous malignant, susceptibility to, 10; Glioma susceptibility 9; LONG TELOMERE SYNDROME, POT1-RELATED; POT1 Tumor Predisposition. Identifiers: Orphanet 618, MedGen C4014476, MONDO:0014368, OMIM 615848.

Allele frequency attached by ClinVar (database versions not stated): gnomAD exomes below 0.00001.
gnomAD v4.1: 2 of 1,609,456 alleles (0.00012%); highest among the groups gnomAD compares: Non-Finnish European, 0.00017%; no homozygotes.

Submission:

Labcorp Genetics (formerly Invitae), Labcorp
Classification: Uncertain significance for Tumor predisposition syndrome 3. Last evaluated: 2022-06-29. Review status: criteria provided, single submitter. Criteria: Invitae Variant Classification Sherloc (09022015). Collection method: clinical testing. Allele origin: germline.
Comment: This sequence change replaces glutamine, which is neutral and polar, with glutamic acid, which is acidic and polar, at codon 389 of the POT1 protein (p.Gln389Glu). This variant is not present in population databases (gnomAD no frequency). This variant has not been reported in the literature in individuals affected with POT1-related conditions. Algorithms developed to predict the effect of missense changes on protein structure and function are either unavailable or do not agree on the potential impact of this missense change (SIFT: "Tolerated"; PolyPhen-2: "Possibly Damaging"; Align-GVGD: "Class C0"). In summary, the available evidence is currently insufficient to determine the role of this variant in disease. Therefore, it has been classified as a Variant of Uncertain Significance.

NM_015450.3(POT1):c.1165C>G (p.Gln389Glu)

Gene: POT1 (protection of telomeres 1; minus strand). Cytogenetic location: 7q31.33.
Variant type: single nucleotide variant.
Coding change: c.1165C>G on transcript NM_015450.3 (MANE Select); coding-DNA position 1165, C replaced by G.
Protein change: p.Gln389Glu; replaces glutamine 389 with glutamic acid.
Molecular consequence: missense variant. On other transcripts: non-coding transcript variant (3).
Genome position (GRCh38, 1-based): chr7:124,841,177, G>C on the plus strand (C>G on the coding strand, the complement: POT1 is on the minus strand). VCF-style: chr7-124841177-G-C. GRCh37 (hg19) VCF-style: chr7-124481231-G-C.
Other names: c.772C>G, p.Gln258Glu (NM_001042594.2); short protein forms Q389E, Q258E.
Identifiers: ClinVar variation 2012159 (VCV002012159.4), dbSNP rs2485395641, ClinGen allele CA369067775.